The following is an entry in ClinVar:

ClinVar aggregate classification (germline): Conflicting classifications of pathogenicity. Review status: criteria provided, conflicting classifications (1 of 4 stars). 2 submissions from 2 submitters: Pathogenic (1); Uncertain significance (1). Last evaluated 2025-06-23.

Conditions:
Cardiovascular phenotype. Identifiers: MedGen CN230736.
Hereditary cancer-predisposing syndrome. Also called: Hereditary Cancer Syndrome; Neoplastic Syndromes, Hereditary; Tumor predisposition; Hereditary neoplastic syndrome. Identifiers: Orphanet 140162, MedGen C0027672, MeSH D009386, MONDO:0015356.

Submissions (2):

Labcorp Genetics (formerly Invitae), Labcorp
Classification: Pathogenic. Last evaluated: 2025-06-23. Review status: criteria provided, single submitter. Criteria: Invitae Variant Classification Sherloc (09022015). Collection method: clinical testing. Allele origin: germline.
Comment: This variant, c.1675_1692del, results in the deletion of 6 amino acid(s) of the LZTR1 protein (p.Leu562_Arg567del), but otherwise preserves the integrity of the reading frame. This variant is present in population databases (no rsID available, gnomAD 0.003%). This variant has not been reported in the literature in individuals affected with LZTR1-related conditions. ClinVar contains an entry for this variant (Variation ID: 3618008). This variant disrupts a region of the LZTR1 protein in which other variant(s) (p.Glu563Gln) have been determined to be pathogenic (PMID: 29469822, 35258168). This suggests that this is a clinically significant region of the protein, and that variants that disrupt it are likely to be disease-causing. For these reasons, this variant has been classified as Pathogenic.

Ambry Genetics
Classification: Uncertain significance for Cardiovascular phenotype; Hereditary cancer-predisposing syndrome. Last evaluated: 2025-05-12. Review status: criteria provided, single submitter. Criteria: Ambry Variant Classification Scheme 2023. Collection method: clinical testing. Allele origin: germline.
Comment: The c.1675_1692del18 variant (also known as p.L562_R567del) is located in coding exon 15 of the LZTR1 gene. This variant results from an in-frame TTGTGCCGCCTGGAGCAG deletion at nucleotide positions 1675 to 1692. This results in the in-frame deletion of 6 amino acids at codon 562 to 567. This amino acid region is not well conserved in available vertebrate species. In addition, this variant is predicted to be deleterious by in silico analysis (Choi Y et al. PLoS ONE. 2012; 7(10):e46688). Based on the available evidence, the clinical significance of this variant remains unclear.

Literature cited by the submitters: PubMed 29469822 (cited by Labcorp Genetics (formerly Invitae), Labcorp); PubMed 35258168 (cited by Labcorp Genetics (formerly Invitae), Labcorp).

NM_006767.4(LZTR1):c.1675_1692del (p.Leu562_Arg567del)

Gene: LZTR1 (leucine zipper like post translational regulator 1; plus strand). Cytogenetic location: 22q11.21.
Variant type: Deletion.
Coding change: c.1675_1692del on transcript NM_006767.4 (MANE Select); coding-DNA positions 1675 to 1692, 18 bases deleted (TTGTGCCGCCTGGAGCAG).
Protein change: p.Leu562_Arg567del.
Molecular consequence: inframe deletion.
Genome position (GRCh38, 1-based): chr22:20,994,617-20,994,634, TTGTGCCGCCTGGAGCAG deleted; deleting any 18 consecutive bases within chr22:20,994,614-20,994,634 gives the same sequence; the c. name uses the placement nearest the transcript's 3' end. VCF-style (leftmost placement, unchanged base first): chr22-20994613-CCAGTTGTGCCGCCTGGAG-C. GRCh37 (hg19) VCF-style: chr22-21348902-CCAGTTGTGCCGCCTGGAG-C.
Other names: c.1675_1692del18 (NM_006767.3).
Identifiers: ClinVar variation 3618008 (VCV003618008.3).